The following is an entry in ClinVar:

NM_016589.4(TIMMDC1):c.740del (p.Pro247fs)

Gene: TIMMDC1 (translocase of inner mitochondrial membrane domain containing 1; plus strand). Cytogenetic location: 3q13.33.
Variant type: Deletion.
Coding change: c.740del on transcript NM_016589.4 (MANE Select); coding-DNA position 740, one base deleted (C; older notation c.740delC).
Protein change: p.Pro247fs; shifts the reading frame from proline 247.
Molecular consequence: frameshift variant.
Genome position (GRCh38, 1-based): chr3:119,523,638, C deleted; the last of 3 consecutive C bases (chr3:119,523,636-119,523,638); deleting any one gives the same sequence. VCF-style (leftmost placement, unchanged base first): chr3-119523635-TC-T. GRCh37 (hg19) VCF-style: chr3-119242482-TC-T.
Other names: short protein forms P247fs.
Identifiers: ClinVar variation 2077423 (VCV002077423.4), dbSNP rs2473091168, ClinGen allele CA2580068590.

ClinVar aggregate classification (germline): Uncertain significance (1 of 4 stars; one submission).

Submission:

Labcorp Genetics (formerly Invitae), Labcorp
Classification: Uncertain significance. Last evaluated: 2024-10-22. Review status: criteria provided, single submitter. Criteria: Invitae Variant Classification Sherloc (09022015). Collection method: clinical testing. Allele origin: germline.
Comment: This sequence change creates a premature translational stop signal (p.Pro247Leufs*24) in the TIMMDC1 gene. While this is not anticipated to result in nonsense mediated decay, it is expected to disrupt the last 39 amino acid(s) of the TIMMDC1 protein. This variant is not present in population databases (gnomAD no frequency). This variant has not been reported in the literature in individuals affected with TIMMDC1-related conditions. ClinVar contains an entry for this variant (Variation ID: 2077423). Experimental studies and prediction algorithms are not available or were not evaluated, and the functional significance of this variant is currently unknown. In summary, the available evidence is currently insufficient to determine the role of this variant in disease. Therefore, it has been classified as a Variant of Uncertain Significance.